The following is an entry in ClinVar:

NM_000261.2(MYOC):c.1105T>C (p.Phe369Leu)

Gene: MYOC (myocilin; minus strand). Cytogenetic location: 1q24.3.
Variant type: single nucleotide variant.
Coding change: c.1105T>C on transcript NM_000261.2 (MANE Select); coding-DNA position 1105, T replaced by C.
Protein change: p.Phe369Leu; replaces phenylalanine 369 with leucine.
Molecular consequence: missense variant.
Genome position (GRCh38, 1-based): chr1:171,636,335, A>G on the plus strand (T>C on the coding strand, the complement: MYOC is on the minus strand). VCF-style: chr1-171636335-A-G. GRCh37 (hg19) VCF-style: chr1-171605475-A-G.
Other names: NM_000261.2:c.1105T>C; short protein forms F369L.
Identifiers: ClinVar variation 1723163 (VCV001723163.2), dbSNP rs2527839170, ClinGen allele CA343724711.

ClinVar aggregate classification (germline): Uncertain significance (3 of 4 stars; one submission).

Conditions:
Open-angle glaucoma. Identifiers: MedGen C0017612, MONDO:0005338, HP:0012108.

Submission:

ClinGen Glaucoma Variant Curation Expert Panel
Classification: Uncertain significance for Open-angle glaucoma. Last evaluated: 2026-01-20. Review status: reviewed by expert panel. Criteria: ClinGen Glaucoma ACMG Specifications V2.0.0 Approved. Collection method: curation. Allele origin: germline. Inheritance: Autosomal dominant inheritance.
Comment: The c.1105T>C variant in MYOC is a missense variant predicted to cause substitution of Phenylalanine by Leucine at amino acid 369 (p.Phe369Leu). This variant was not found in any genetic ancestry group of gnomAD (v4.1.0), meeting the ≤ 0.0001 threshold set for PM2_Supporting in a genetic ancestry group of at least 10,000 alleles. The REVEL score = 0.872, which was within the 0.773-0.931 range for PP3_Moderate, predicting a damaging effect on MYOC function. There was no functional evidence predicting a damaging or benign impact of this variant on MYOC function. Only 2 segregations had been reported for primary open angle glaucoma (PMIDs: 28564705, 15534471), not meeting the ≥ 3 segregations required for PP1. 2 probands with POAG have been reported carrying this variant (PMIDs: 15534471, 28564705), which met PS4_Supporting (≥ 2 probands). In summary, this variant met the criteria to receive a score of 4 and to be classified as a variant of uncertain significance (uncertain significance classification range -1 to 5, adapted from PMID: 32720330) for primary open angle glaucoma based on the ACMG/AMP criteria met, as specified by the ClinGen Glaucoma VCEP (v2.0.0, 5 Dec 2024): PP3_Moderate, PS4_Supporting, PM2_Supporting.